The following is an entry in ClinVar:

ClinVar aggregate classification (germline): Pathogenic/Likely pathogenic. Review status: criteria provided, multiple submitters, no conflicts (2 of 4 stars). 10 submissions from 10 submitters: Pathogenic (7); Likely pathogenic (1). 2 of the submissions do not count toward it. Last evaluated 2025-06-10.

Conditions:
Galactosemia. Also called: Galactose intolerance. Identifiers: Orphanet 352, MedGen C0016952, MONDO:0018116, HP:0004919. Disease mechanism: loss of function.
Deficiency of UDPglucose-hexose-1-phosphate uridylyltransferase. Also called: GALT deficiency; Galactosemia, classic; GALACTOSE-1-PHOSPHATE URIDYLYLTRANSFERASE DEFICIENCY; Transferase Deficiency Galactosemia; GALACTOSEMIA I. Identifiers: Orphanet 352, Orphanet 79239, MedGen C0268151, MONDO:0009258, OMIM 230400.

Submissions (10):

Natera, Inc.
Classification: Pathogenic for Galactosemia. Last evaluated: 2025-06-10. Review status: criteria provided, single submitter. Criteria: Natera Variant Classification Schema (03/2026). Collection method: clinical testing. Allele origin: germline.
Comment: The c.957C>A variant in GALT is a missense variant predicted to cause substitution of histidine to glutamine at amino acid 319. This variant is rare in the general population with a frequency below the threshold expected for the associated phenotype(s). This variant has been observed in one or more individuals affected with the associated recessive disease, as either homozygous or compound heterozygous with a second variant (PMID: 28644047, 35464534, 20348403). Computational prediction algorithms indicate this variant is likely to affect gene or protein function. Given the available evidence, this variant is classified as Pathogenic.

Labcorp Genetics (formerly Invitae), Labcorp
Classification: Pathogenic for Deficiency of UDPglucose-hexose-1-phosphate uridylyltransferase. Last evaluated: 2024-07-21. Review status: criteria provided, single submitter. Criteria: Invitae Variant Classification Sherloc (09022015). Collection method: clinical testing. Allele origin: germline.
Comment: This sequence change replaces histidine, which is basic and polar, with glutamine, which is neutral and polar, at codon 319 of the GALT protein (p.His319Gln). This variant is present in population databases (rs111033792, gnomAD 0.0009%). This missense change has been observed in individual(s) with galactose-1-phosphate uridylyltransferase deficiency (PMID: 8499924, 8956044, 22944367, 23022339, 25268296). ClinVar contains an entry for this variant (Variation ID: 3617). Advanced modeling of protein sequence and biophysical properties (such as structural, functional, and spatial information, amino acid conservation, physicochemical variation, residue mobility, and thermodynamic stability) performed at Invitae indicates that this missense variant is expected to disrupt GALT protein function with a positive predictive value of 95%. Experimental studies have shown that this missense change affects GALT function (PMID: 8499924). For these reasons, this variant has been classified as Pathogenic.

Fulgent Genetics
Classification: Pathogenic for Deficiency of UDPglucose-hexose-1-phosphate uridylyltransferase. Last evaluated: 2024-04-19. Review status: criteria provided, single submitter. Criteria: ACMG Guidelines, 2015. Collection method: clinical testing. Allele origin: germline.

Baylor Genetics
Classification: Pathogenic for Deficiency of UDPglucose-hexose-1-phosphate uridylyltransferase. Last evaluated: 2023-11-23. Review status: criteria provided, single submitter. Criteria: ACMG Guidelines, 2015. Collection method: clinical testing. Allele origin: unknown.

Mayo Clinic Laboratories, Mayo Clinic
Classification: Pathogenic. Last evaluated: 2022-10-05. Review status: criteria provided, single submitter. Criteria: ACMG Guidelines, 2015. Collection method: clinical testing. Allele origin: germline. Observed: 2 variant alleles.
Comment: PP3, PP4, PM2, PM3, PS3, PS4_moderate

CeGaT Center for Human Genetics Tuebingen
Classification: Pathogenic. Last evaluated: 2018-08-01. Review status: criteria provided, single submitter. Criteria: CeGaT Center For Human Genetics Tuebingen Variant Classification Criteria Version 2. Collection method: clinical testing. Allele origin: germline. Affected: yes. Observed: 1 variant allele.

Eurofins Ntd Llc (ga)
Classification: Pathogenic. Last evaluated: 2017-12-13. Review status: criteria provided, single submitter. Criteria: EGL Classification Definitions 2015. Collection method: clinical testing. Allele origin: germline. Observed: 2 variant alleles, 2 heterozygotes.

Illumina Laboratory Services, Illumina
Classification: Likely pathogenic for Deficiency of UDPglucose-hexose-1-phosphate uridylyltransferase. Last evaluated: 2017-04-27. Review status: criteria provided, single submitter. Criteria: ICSL Variant Classification Criteria 09 May 2019. Collection method: clinical testing. Allele origin: germline.
Comment: The GALT c.957C>A (p.His319Gln) variant has been reported in four patient studies in which it is identified in a total of six individuals with galactosemia, including one in a homozygous state, three in a compound heterozygous state, and two in a heterozygous state without a second identified variant (Reichardt et al., 1993; Maceratesi et al., 1996; Singh et al., 2012; Schadewaldt et al., 2014). The p.His319Gln variant was absent from 178 control alleles and is reported at a frequency of 0.00001 in the European (non-Finnish) population of the Exome Aggregation Consortium, but this is based on one allele only in an area of good coverage so the variant is presumed to be rare. In a study by Reichardt et al. (1993), expression analysis of the variant in COS7 cells showed undetectable enzyme activity. Further analysis of transfected cells carrying the p.His319Gln variant failed to detect appreciable amounts of protein whilst having a high level of mRNA, suggesting the p.His319Gln variant encodes an unstable polypeptide. The residue resides in a domain that is conserved in E.coli and yeast and is located in the metal binding site of GALT (McCorvie et al. 2016). Schadewalt et al. (2014) and Singh et al. (2012) also found low levels of GALT enzyme activity in patients with the p.His319Gln variant ranging from 18% to less than 1.5% of control levels. Based on the evidence, the p.His319Gln variant is classified as pathogenic for galactosemia. This variant was observed by ICSL as part of a predisposition screen in an ostensibly healthy population.

Counsyl
Classification: Likely pathogenic for Deficiency of UDPglucose-hexose-1-phosphate uridylyltransferase. Last evaluated: 2016-12-21. Review status: no assertion criteria provided. Collection method: clinical testing. Allele origin: unknown. Not counted in ClinVar's aggregate classification.

OMIM
Classification: Pathogenic for GALACTOSEMIA I. Last evaluated: 1993-03-01. Review status: no assertion criteria provided. Collection method: literature only. Allele origin: germline. Not counted in ClinVar's aggregate classification.

Literature cited by the submitters: PubMed 28644047 (cited by Natera, Inc. and Mayo Clinic Laboratories, Mayo Clinic); PubMed 35464534 (cited by Natera, Inc. and Mayo Clinic Laboratories, Mayo Clinic); PubMed 20348403 (cited by Natera, Inc.); PubMed 8499924 (cited by 5 submitters); PubMed 8956044 (cited by Labcorp Genetics (formerly Invitae), Labcorp and Illumina Laboratory Services, Illumina); PubMed 22944367 (cited by Labcorp Genetics (formerly Invitae), Labcorp); PubMed 23022339 (cited by 4 submitters); PubMed 25268296 (cited by 4 submitters); PubMed 10408771 (cited by Mayo Clinic Laboratories, Mayo Clinic); PubMed 30808388 (cited by Mayo Clinic Laboratories, Mayo Clinic); PubMed 7887416 (cited by Mayo Clinic Laboratories, Mayo Clinic); PubMed 27005423 (cited by Illumina Laboratory Services, Illumina and Counsyl); PubMed 2233247 (cited by OMIM).

NM_000155.4(GALT):c.957C>A (p.His319Gln)

Gene: GALT (galactose-1-phosphate uridylyltransferase; plus strand). Cytogenetic location: 9p13.3.
Variant type: single nucleotide variant.
Coding change: c.957C>A on transcript NM_000155.4 (MANE Select); coding-DNA position 957, C replaced by A.
Protein change: p.His319Gln; replaces histidine 319 with glutamine.
Molecular consequence: missense variant.
Genome position (GRCh38, 1-based): chr9:34,649,462, C>A. VCF-style: chr9-34649462-C-A. GRCh37 (hg19) VCF-style: chr9-34649459-C-A.
Other names: c.630C>A, p.His210Gln (NM_001258332.2); short protein forms H319Q, H210Q.
Identifiers: ClinVar variation 3617 (VCV000003617.65), dbSNP rs111033792, ClinGen allele CA252847.